The following is an entry in ClinVar:

ClinVar aggregate classification (germline): Pathogenic (1 of 4 stars; one submission).

Conditions:
Alagille syndrome due to a JAG1 point mutation. Also called: Alagille Syndrome 1; JAG1-Related Alagille Syndrome; HEPATIC DUCTULAR HYPOPLASIA, SYNDROMATIC. Identifiers: Orphanet 261619, Orphanet 52, MedGen C1956125, MONDO:0016862, OMIM 118450.

Submission:

Labcorp Genetics (formerly Invitae), Labcorp
Classification: Pathogenic for Alagille syndrome due to a JAG1 point mutation. Last evaluated: 2022-02-12. Review status: criteria provided, single submitter. Criteria: Invitae Variant Classification Sherloc (09022015). Collection method: clinical testing. Allele origin: germline.
Comment: This sequence change affects a donor splice site in intron 21 of the JAG1 gene. It is expected to disrupt RNA splicing. Variants that disrupt the donor or acceptor splice site typically lead to a loss of protein function (PMID: 16199547), and loss-of-function variants in JAG1 are known to be pathogenic (PMID: 11180599). This variant is not present in population databases (gnomAD no frequency). Disruption of this splice site has been observed in individuals with Alagille syndrome (PMID: 16575836). Algorithms developed to predict the effect of sequence changes on RNA splicing suggest that this variant may disrupt the consensus splice site. For these reasons, this variant has been classified as Pathogenic.

Literature cited by the submitters: PubMed 16199547; PubMed 11180599; PubMed 16575836.

NM_000214.3(JAG1):c.2572+1G>C

Gene: JAG1 (jagged canonical Notch ligand 1; minus strand). Cytogenetic location: 20p12.2.
Variant type: single nucleotide variant.
Coding change: c.2572+1G>C on transcript NM_000214.3 (MANE Select); the canonical splice donor site of the intron after coding-DNA position 2572, G replaced by C.
Molecular consequence: splice donor variant.
Genome position (GRCh38, 1-based): chr20:10,642,487, C>G on the plus strand (G>C on the coding strand, the complement: JAG1 is on the minus strand). VCF-style: chr20-10642487-C-G. GRCh37 (hg19) VCF-style: chr20-10623135-C-G.
Identifiers: ClinVar variation 2097267 (VCV002097267.4), dbSNP rs2514510396, ClinGen allele CA408245456.